The following is an entry in ClinVar:

ClinVar aggregate classification (germline): Uncertain significance (1 of 4 stars; one submission).

Conditions:
Early-infantile DEE. Also called: Ohtahara syndrome; Early infantile epileptic encephalopathy; Early infantile epileptic encephalopathy with suppression bursts. Identifiers: Orphanet 1934, MedGen C0393706, MONDO:0800491.

gnomAD v4.1: 4 of 1,614,080 alleles (0.00025%); highest among the groups gnomAD compares: African/African-American, 0.004%; no homozygotes.

Submission:

Labcorp Genetics (formerly Invitae), Labcorp
Classification: Uncertain significance for Early-infantile DEE. Last evaluated: 2024-12-24. Review status: criteria provided, single submitter. Criteria: Invitae Variant Classification Sherloc (09022015). Collection method: clinical testing. Allele origin: germline.
Comment: This sequence change replaces alanine, which is neutral and non-polar, with aspartic acid, which is acidic and polar, at codon 741 of the SPTAN1 protein (p.Ala741Asp). This variant is present in population databases (rs756685826, gnomAD 0.01%). This variant has not been reported in the literature in individuals affected with SPTAN1-related conditions. Invitae Evidence Modeling of protein sequence and biophysical properties (such as structural, functional, and spatial information, amino acid conservation, physicochemical variation, residue mobility, and thermodynamic stability) has been performed for this missense variant. However, the output from this modeling did not meet the statistical confidence thresholds required to predict the impact of this variant on SPTAN1 protein function. In summary, the available evidence is currently insufficient to determine the role of this variant in disease. Therefore, it has been classified as a Variant of Uncertain Significance.

NM_001130438.3(SPTAN1):c.2222C>A (p.Ala741Asp)

Gene: SPTAN1 (spectrin alpha, non-erythrocytic 1; plus strand). Cytogenetic location: 9q34.11.
Variant type: single nucleotide variant.
Coding change: c.2222C>A on transcript NM_001130438.3 (MANE Select); coding-DNA position 2222, C replaced by A.
Protein change: p.Ala741Asp; replaces alanine 741 with aspartic acid.
Molecular consequence: missense variant.
Genome position (GRCh38, 1-based): chr9:128,584,310, C>A. VCF-style: chr9-128584310-C-A. GRCh37 (hg19) VCF-style: chr9-131346589-C-A.
Other names: c.2222C>A, p.Ala741Asp (NM_001195532.2, NM_001363759.2, NM_001363765.2 and 5 more transcripts); c.2258C>A, p.Ala753Asp (NM_001375312.2, NM_001375318.1); short protein forms A741D, A753D.
Identifiers: ClinVar variation 3663652 (VCV003663652.2).